The following is an entry in ClinVar:

ClinVar aggregate classification (germline): Conflicting classifications of pathogenicity. Review status: criteria provided, conflicting classifications (1 of 4 stars). 2 submissions from 2 submitters: Uncertain significance (1); Likely benign (1). Last evaluated 2025-12-10.

Allele frequency attached by ClinVar (database versions not stated): gnomAD exomes below 0.00001; TOPMed below 0.00001; ExAC 0.00001; gnomAD 0.00001.
gnomAD v4.1: 9 of 1,614,118 alleles (0.00056%); highest among the groups gnomAD compares: Non-Finnish European, 0.00076%; no homozygotes.

Submissions (2):

Labcorp Genetics (formerly Invitae), Labcorp
Classification: Likely benign. Last evaluated: 2025-12-10. Review status: criteria provided, single submitter. Criteria: Invitae Variant Classification Sherloc (09022015). Collection method: clinical testing. Allele origin: germline.

GeneDx
Classification: Uncertain significance. Last evaluated: 2019-09-06. Review status: criteria provided, single submitter. Criteria: GeneDx Variant Classification Process June 2021. Collection method: clinical testing. Allele origin: germline. Affected: yes.
Comment: Has not been previously published as pathogenic or benign to our knowledge; Not observed at a significant frequency in large population cohorts (Lek et al., 2016); In silico analysis, which includes protein predictors and evolutionary conservation, supports a deleterious effect; Not located in the triple helical region, where the majority of pathogenic missense variants occur (Stenson et al., 2012)

NM_001844.5(COL2A1):c.4034A>C (p.Lys1345Thr)

Gene: COL2A1 (collagen type II alpha 1 chain; minus strand). Cytogenetic location: 12q13.11.
Variant type: single nucleotide variant.
Coding change: c.4034A>C on transcript NM_001844.5 (MANE Select); coding-DNA position 4034, A replaced by C.
Protein change: p.Lys1345Thr; replaces lysine 1345 with threonine.
Molecular consequence: missense variant.
Genome position (GRCh38, 1-based): chr12:47,974,715, T>G on the plus strand (A>C on the coding strand, the complement: COL2A1 is on the minus strand). VCF-style: chr12-47974715-T-G. GRCh37 (hg19) VCF-style: chr12-48368498-T-G.
Other names: c.3827A>C, p.Lys1276Thr (NM_033150.3); short protein forms K1276T, K1345T.
Identifiers: ClinVar variation 936146 (VCV000936146.11), dbSNP rs775279845, ClinGen allele CA6534578.